The following is an entry in ClinVar:

NM_000264.5(PTCH1):c.3240C>T (p.Ala1080=)

Gene: PTCH1 (patched 1; minus strand). Cytogenetic location: 9q22.32.
Variant type: single nucleotide variant.
Coding change: c.3240C>T on transcript NM_000264.5 (MANE Select); coding-DNA position 3240, C replaced by T.
Protein change: p.Ala1080=; no amino-acid change (alanine 1080 retained).
Molecular consequence: synonymous variant. On other transcripts: non-coding transcript variant (1).
Genome position (GRCh38, 1-based): chr9:95,456,342, G>A on the plus strand (C>T on the coding strand, the complement: PTCH1 is on the minus strand). VCF-style: chr9-95456342-G-A. GRCh37 (hg19) VCF-style: chr9-98218624-G-A.
Other names: c.3042C>T, p.Ala1014= (NM_001083602.3); c.3237C>T, p.Ala1079= (NM_001083603.3); c.2787C>T, p.Ala929= (NM_001083604.3, NM_001083605.3, NM_001083606.3 and 1 more transcripts); c.3084C>T, p.Ala1028= (NM_001354918.2).
Identifiers: ClinVar variation 135888 (VCV000135888.19), dbSNP rs200347952, ClinGen allele CA332526.

ClinVar aggregate classification (germline): Benign/Likely benign. Review status: criteria provided, multiple submitters, no conflicts (2 of 4 stars). 4 submissions from 4 submitters: Benign (2); Likely benign (1). 1 of the submissions does not count toward it. Last evaluated 2026-01-27.

Conditions:
Basal cell nevus syndrome 1 (BCNS1). Also called: GORLIN-GOLTZ SYNDROME; MULTIPLE BASAL CELL NEVI, ODONTOGENIC KERATOCYSTS, AND SKELETAL ANOMALIES. Identifiers: MedGen CN376810, MONDO:0958174, OMIM 109400.
Hereditary cancer-predisposing syndrome. Also called: Tumor predisposition; Hereditary neoplastic syndrome; Neoplastic Syndromes, Hereditary; Hereditary Cancer Syndrome. Identifiers: Orphanet 140162, MedGen C0027672, MeSH D009386, MONDO:0015356.
Gorlin syndrome. Also called: Nevoid Basal Cell Carcinoma Syndrome; Basal cell nevus syndrome. Identifiers: Orphanet 377, MedGen C0004779, MONDO:0007187.
PTCH1-related disorder. Also called: PTCH1-related disorders; PTCH1-related condition.

Allele frequency attached by ClinVar (database versions not stated): gnomAD 0.00003; TOPMed 0.00014; 1000 Genomes Project 0.00020; 1000 Genomes Project 30x 0.00031.
gnomAD v4.1: 90 of 1,614,118 alleles (0.0056%); highest among the groups gnomAD compares: Admixed American, 0.12%; no homozygotes.

Submissions (4):

Labcorp Genetics (formerly Invitae), Labcorp
Classification: Benign for Gorlin syndrome. Last evaluated: 2026-01-27. Review status: criteria provided, single submitter. Criteria: Invitae Variant Classification Sherloc (09022015). Collection method: clinical testing. Allele origin: germline.

KCCC/NGS Laboratory, Kuwait Cancer Control Center
Classification: Benign for Basal cell nevus syndrome 1. Last evaluated: 2025-02-01. Review status: criteria provided, single submitter. Criteria: ACMG Guidelines, 2015. Collection method: clinical testing. Allele origin: germline. Affected: no.

Ambry Genetics
Classification: Likely benign for Hereditary cancer-predisposing syndrome. Last evaluated: 2017-02-23. Review status: criteria provided, single submitter. Criteria: Ambry Variant Classification Scheme 2023. Collection method: clinical testing. Allele origin: germline.

PreventionGenetics, part of Exact Sciences
Classification: Likely benign for PTCH1-related condition. Last evaluated: 2019-08-08. Review status: no assertion criteria provided. Collection method: clinical testing. Allele origin: germline. Not counted in ClinVar's aggregate classification.
Comment: This variant is classified as likely benign based on ACMG/AMP sequence variant interpretation guidelines (Richards et al. 2015 PMID: 25741868, with internal and published modifications).